The following is an entry in ClinVar:

NM_170665.4(ATP2A2):c.2258A>G (p.Tyr753Cys)

Gene: ATP2A2 (ATPase sarcoplasmic/endoplasmic reticulum Ca2+ transporting 2; plus strand). Cytogenetic location: 12q24.11.
Variant type: single nucleotide variant.
Coding change: c.2258A>G on transcript NM_170665.4 (MANE Select); coding-DNA position 2258, A replaced by G.
Protein change: p.Tyr753Cys; replaces tyrosine 753 with cysteine.
Molecular consequence: missense variant.
Genome position (GRCh38, 1-based): chr12:110,342,388, A>G. VCF-style: chr12-110342388-A-G. GRCh37 (hg19) VCF-style: chr12-110780193-A-G.
Other names: c.2153A>G, p.Tyr718Cys (NM_001413013.1); c.2258A>G, p.Tyr753Cys (NM_001413014.1, NM_001681.4); c.1883A>G, p.Tyr628Cys (NM_001413015.1); short protein forms Y628C, Y718C, Y753C.
Identifiers: ClinVar variation 4976363 (VCV004976363.1).

ClinVar aggregate classification (germline): Uncertain significance (1 of 4 stars; one submission).

gnomAD v4.1: 1 of 1,614,144 alleles (0.000062%); highest among the groups gnomAD compares: South Asian, 0.0011%; no homozygotes.

Submission:

GeneDx
Classification: Uncertain significance. Last evaluated: 2026-02-06. Review status: criteria provided, single submitter. Criteria: GeneDx Variant Classification Process June 2021. Collection method: clinical testing. Allele origin: germline.
Comment: Has not been previously published as pathogenic or benign to our knowledge; Not observed at significant frequency in large population cohorts (gnomAD); Missense variants in this gene are a common cause of disease and they are underrepresented in the general population; In silico analysis supports that this missense variant has a deleterious effect on protein structure/function